The following is an entry in ClinVar:

ClinVar aggregate classification (germline): Pathogenic. Review status: criteria provided, multiple submitters, no conflicts (2 of 4 stars). 8 submissions from 8 submitters: Pathogenic (7). 1 of the submissions does not count toward it. Last evaluated 2025-12-09.

Conditions:
Hereditary cancer-predisposing syndrome. Also called: Tumor predisposition; Neoplastic Syndromes, Hereditary; Hereditary Cancer Syndrome; Hereditary neoplastic syndrome. Identifiers: Orphanet 140162, MedGen C0027672, MeSH D009386, MONDO:0015356.
Breast-ovarian cancer, familial, susceptibility to, 2 (BROVCA2). Also called: BRCA2 Hereditary Breast and Ovarian Cancer. Identifiers: Orphanet 145, MedGen C2675520, MONDO:0012933, OMIM 612555. Disease mechanism: loss of function.
Hereditary breast ovarian cancer syndrome. Also called: Hereditary breast and ovarian cancer; Hereditary breast and ovarian cancer syndrome (HBOC); Hereditary breast and/or ovarian cancer syndrome; Breast and ovarian cancer; Hereditary breast and ovarian cancer syndrome; BRCA1- and BRCA2-Associated Hereditary Breast and Ovarian Cancer. Identifiers: Orphanet 145, MedGen C0677776, MeSH D061325, MONDO:0003582. Disease mechanism: loss of function.

Submissions (8):

Labcorp Genetics (formerly Invitae), Labcorp
Classification: Pathogenic for Hereditary breast ovarian cancer syndrome. Last evaluated: 2025-12-09. Review status: criteria provided, single submitter. Criteria: Invitae Variant Classification Sherloc (09022015). Collection method: clinical testing. Allele origin: germline.
Comment: This sequence change falls in intron 17 of the BRCA2 gene. It does not directly change the encoded amino acid sequence of the BRCA2 protein. RNA analysis indicates that this variant induces altered splicing and may result in an absent or altered protein product. This variant is not present in population databases (gnomAD no frequency). This variant has been observed in individual(s) with breast and/or ovarian cancer (PMID: 31528241, 31843900). ClinVar contains an entry for this variant (Variation ID: 418088). Variants that disrupt the consensus splice site are a relatively common cause of aberrant splicing (PMID: 17576681, 9536098). Studies have shown that this variant results in skipping of exons 17 and skipping of exons 17 and 18, and produces a non-functional protein and/or introduces a premature termination codon (PMID: 31843900; internal data). For these reasons, this variant has been classified as Pathogenic.

Variantyx, Inc.
Classification: Pathogenic for Breast-ovarian cancer, familial, susceptibility to, 2. Last evaluated: 2025-03-19. Review status: criteria provided, single submitter. Criteria: Variantyx Assertion Criteria 2022. Collection method: clinical testing. Allele origin: paternal.
Comment: This is a canonical splicing variant in the BRCA2 gene (OMIM: 600185). Pathogenic variants in this gene have been associated with autosomal dominant susceptibility to familial breast-ovarian cancer 2. This variant introduces a premature termination codon in exon 17 out of 26. It is expected to result in loss of function, which is a known disease mechanism for BRCA2 in this disorder (PMID: 17576681, 9536098, 31843900) (PVS1). This variant has been reported in at least 1 affected individual(s) (PMID: 23315985 ) (PS4_Supporting). This variant is absent from control populations (PM2_Supporting). Based on the current evidence, this variant is classified as pathogenic for autosomal dominant susceptibility to familial breast-ovarian cancer 2.

Ambry Genetics
Classification: Pathogenic for Hereditary cancer-predisposing syndrome. Last evaluated: 2024-12-27. Review status: criteria provided, single submitter. Criteria: Ambry Variant Classification Scheme 2023. Collection method: clinical testing. Allele origin: germline.
Comment: The c.7976+2C>G intronic pathogenic mutation results from a C to G substitution two nucleotides after coding exon 16 in the BRCA2 gene. This nucleotide position is well conserved in available vertebrate species. In silico splice site analysis predicts that this alteration will weaken the native splice donor site. RNA studies have demonstrated that this alteration results in abnormal splicing in the set of samples tested (Ambry internal data; Casadei S et al. Proc Natl Acad Sci U S A, 2019 Dec;). Several other alterations impacting the same donor site (BRCA2 c.7976+5G>A, BRCA2 c.7976+5G>T, BRCA2 c.7976G>A) has been shown to have a similar impact on splicing in (Casadei S et al. Proc Natl Acad Sci U S A, 2019 Dec; Wong MS et al. Mol Cell, 2018 09;71:1012-1026.e3; Montalban G et al. Hum Mutat, 2018 09;39:1155-1160). This variant is considered to be rare based on population cohorts in the Genome Aggregation Database (gnomAD). Based on the supporting evidence, this variant is interpreted as a disease-causing mutation.

Quest Diagnostics Nichols Institute San Juan Capistrano
Classification: Pathogenic. Last evaluated: 2023-02-13. Review status: criteria provided, single submitter. Criteria: Quest Diagnostics criteria. Collection method: clinical testing. Allele origin: unknown.
Comment: This variant disrupts a canonical splice-donor site and interferes with normal BRCA2 mRNA splicing. A functional RNA study reported this variant results in skipping of exon 17 or exon 17 and 18 (PMID: 31843900 (2019)). This variant has not been reported in large, multi-ethnic general populations. In the published literature, the variant has been reported in a family with two individuals affected with breast cancer (PMID: 31528241 (2019)). Based on the available information, this variant is classified as pathogenic.

Color Diagnostics, LLC DBA Color Health
Classification: Pathogenic for Hereditary cancer-predisposing syndrome. Last evaluated: 2022-07-24. Review status: criteria provided, single submitter. Criteria: ACMG Guidelines, 2015. Collection method: clinical testing. Allele origin: germline.
Comment: This variant causes a C>G nucleotide substitution at the +2 position of intron 17 of the BRCA2 gene. An RNA study has shown that this variant resulted in primarily the in-frame skipping of exon 17 that partially encodes the DNA binding domain and a minor product with out-of-frame skipping of exons 17 and 18 (PMID: 31843900). Exon 17 includes five codons that have pathogenic missense variants reported in ClinVar (variation ID: 52423, 38125, 52430, 52455, 38131), which suggests that the exon 17 encoded region may be functionally important. To our knowledge, functional studies have not been performed for this variant. This variant has been reported in an individual affected with cancer from a family severely affected with cancers of the breast, ovary, endometrium, or colon (PMID: 31843900) and another individual affected with early-onset breast cancer with family history of the disease (PMID: 31528241). This variant has not been identified in the general population by the Genome Aggregation Database (gnomAD). Loss of BRCA2 function is a known mechanism of disease. Based on the available evidence, this variant is classified as Pathogenic.

Women's Health and Genetics/Laboratory Corporation of America, LabCorp
Classification: Pathogenic for Hereditary breast ovarian cancer syndrome. Last evaluated: 2021-12-16. Review status: criteria provided, single submitter. Criteria: LabCorp Variant Classification Summary - May 2015. Collection method: clinical testing. Allele origin: germline.
Comment: Variant summary: BRCA2 c.7976+2C>G is located in a canonical splice-site and is predicted to affect mRNA splicing resulting in a significantly altered protein due to either exon skipping, shortening, or inclusion of intronic material. One computational tool predicts a significant impact on normal splicing through abolishing of 5' splicing donor site. Impact on splicing has been confirmed by experimental evidence demonstrating skipping of exon 17, or both exons 17 and 18 (Casadei_2019). The variant was absent in 251134 control chromosomes (gnomAD), and c.7976+2C>G has been reported in the literature in at least one family affected with Hereditary Breast And Ovarian Cancer Syndrome (Casadei_2019). Three ClinVar submitters have assessed this variant since 2014: all have classified the variant as pathogenic. Based on the evidence outlined above, the variant was classified as pathogenic.

GeneDx
Classification: Pathogenic. Last evaluated: 2018-08-24. Review status: criteria provided, single submitter. Criteria: GeneDx Variant Classification (06012015). Collection method: clinical testing. Allele origin: germline. Affected: yes.
Comment: This pathogenic variant is denoted BRCA2 c.7976+2C>G or IVS17+2C>G and consists of a C>G nucleotide substitution at the +2 position of intron 17 of the BRCA2 gene. Using alternate nomenclature, this variant would be defined as BRCA2 8204+2C>G. This variant destroys a canonical splice donor site and is predicted to cause abnormal gene splicing, leading to an abnormal message that is subject to nonsense-mediated mRNA decay or to an abnormal protein product. It would be predicted to result in an in-frame deletion of the adjacent exon 17, and loss of exon 17 has been demonstrated to disrupt BRCA2 protein function (Wu 2005). BRCA2 c.7976+2C>G has been reported in at least one individual referred for BRCA1/2 testing (Costa 2013). Based on currently available evidence, we consider this variant to be pathogenic.

King Laboratory, University of Washington
Classification: Pathogenic for Hereditary breast and ovarian cancer syndrome; Breast-ovarian cancer, familial 2. Last evaluated: 2019-09-01. Review status: no assertion criteria provided. Collection method: research. Allele origin: germline. Affected: yes. Not counted in ClinVar's aggregate classification.
Comment: Transcript analysis by cBROCA

Literature cited by the submitters: PubMed 31528241 (cited by 3 submitters); PubMed 31843900 (cited by 6 submitters); PubMed 17576681 (cited by Labcorp Genetics (formerly Invitae), Labcorp); PubMed 9536098 (cited by Labcorp Genetics (formerly Invitae), Labcorp); PubMed 29969168 (cited by Ambry Genetics); PubMed 30174293 (cited by Ambry Genetics); PubMed 23315985 (cited by Quest Diagnostics Nichols Institute San Juan Capistrano and Women's Health and Genetics/Laboratory Corporation of America, LabCorp).

NM_000059.4(BRCA2):c.7976+2C>G

Gene: BRCA2 (BRCA2 DNA repair associated; plus strand). Cytogenetic location: 13q13.1.
Variant type: single nucleotide variant.
Coding change: c.7976+2C>G on transcript NM_000059.4 (MANE Select); the canonical splice donor site of the intron after coding-DNA position 7976, C replaced by G.
Molecular consequence: splice donor variant.
Genome position (GRCh38, 1-based): chr13:32,362,695, C>G. VCF-style: chr13-32362695-C-G. GRCh37 (hg19) VCF-style: chr13-32936832-C-G.
Other names: c.7880+2C>G (NM_001406719.1); c.3044+2C>G (NM_001406721.1); c.1559+2C>G (NM_001406722.1); c.7976+2C>G (NM_001406720.1).
Identifiers: ClinVar variation 418088 (VCV000418088.19), dbSNP rs886040943, ClinGen allele CA16619774.